The following is an entry in ClinVar:

ClinVar aggregate classification (germline): Uncertain significance (1 of 4 stars; one submission).

Conditions:
Cardiovascular phenotype. Identifiers: MedGen CN230736.

gnomAD v4.1: 1 of 1,544,960 alleles (0.000065%); highest among the groups gnomAD compares: African/African-American, 0.0014%; no homozygotes.

Submission:

Ambry Genetics
Classification: Uncertain significance for Cardiovascular phenotype. Last evaluated: 2026-09-11. Review status: criteria provided, single submitter. Criteria: Ambry Variant Classification Scheme 2023. Collection method: clinical testing. Allele origin: germline.
Comment: The p.N78K variant (also known as c.234C>G), located in coding exon 2 of the RBM20 gene, results from a C to G substitution at nucleotide position 234. The asparagine at codon 78 is replaced by lysine, an amino acid with similar properties. This amino acid position is conserved. In addition, this alteration is predicted to be tolerated by in silico analysis. Based on the available evidence, the clinical significance of this variant remains unclear.

NM_001134363.3(RBM20):c.234C>G (p.Asn78Lys)

Gene: RBM20 (RNA binding motif protein 20; plus strand). Cytogenetic location: 10q25.2.
Variant type: single nucleotide variant.
Coding change: c.234C>G on transcript NM_001134363.3 (MANE Select); coding-DNA position 234, C replaced by G.
Protein change: p.Asn78Lys; replaces asparagine 78 with lysine.
Molecular consequence: missense variant.
Genome position (GRCh38, 1-based): chr10:110,780,843, C>G. VCF-style: chr10-110780843-C-G. GRCh37 (hg19) VCF-style: chr10-112540601-C-G.
Other names: short protein forms N78K.
Identifiers: ClinVar variation 4614836 (VCV004614836.2).